The following is an entry in ClinVar:

ClinVar aggregate classification (germline): Likely pathogenic (1 of 4 stars; one submission).

Conditions:
FUT8-related disorder. Also called: FUT8-related condition.

Submission:

PreventionGenetics, part of Exact Sciences
Classification: Likely pathogenic for FUT8-related condition. Last evaluated: 2023-08-31. Review status: criteria provided, single submitter. Criteria: ACMG Guidelines, 2015. Collection method: clinical testing. Allele origin: germline.
Comment: The FUT8 c.786_789delAAGT variant is predicted to result in a frameshift and premature protein termination (p.Ser263Argfs*18). To our knowledge, this variant has not been reported in the literature. This variant is reported in 0.0054% of alleles in individuals of East Asian descent in gnomAD. Frameshift variants in FUT8 are expected to be pathogenic. This variant is interpreted as likely pathogenic.

NM_001371533.1(FUT8):c.786_789del (p.Ser263fs)

Gene: FUT8 (fucosyltransferase 8; plus strand). Cytogenetic location: 14q23.3.
Variant type: Deletion.
Coding change: c.786_789del on transcript NM_001371533.1 (MANE Select); coding-DNA positions 786 to 789, 4 bases deleted (AAGT; older notation c.786_789delAAGT).
Protein change: p.Ser263fs; shifts the reading frame from serine 263.
Molecular consequence: frameshift variant. On other transcripts: non-coding transcript variant (1).
Genome position (GRCh38, 1-based): chr14:65,669,431-65,669,434, AAGT deleted; deleting any 4 consecutive bases within chr14:65,669,429-65,669,434 gives the same sequence; the c. name uses the placement nearest the transcript's 3' end. VCF-style (leftmost placement, unchanged base first): chr14-65669428-TGTAA-T. GRCh37 (hg19) VCF-style: chr14-66136146-TGTAA-T.
Other names: c.786_789del, p.Ser263fs (NM_001371534.1, NM_178155.3, NM_178156.2); c.888_891del, p.Ser297fs (NM_001371536.1); c.297_300del, p.Ser100fs (NM_004480.4); short protein forms S100fs, S263fs, S297fs.
Identifiers: ClinVar variation 2631207 (VCV002631207.1), dbSNP rs1225111857, ClinGen allele CA614739464.